The following is an entry in ClinVar:

NM_001378328.1(CELSR1):c.7014C>T (p.Val2338=)

Gene: CELSR1 (cadherin EGF LAG seven-pass G-type receptor 1; minus strand). Cytogenetic location: 22q13.31.
Variant type: single nucleotide variant.
Coding change: c.7014C>T on transcript NM_001378328.1 (MANE Select); coding-DNA position 7014, C replaced by T.
Protein change: p.Val2338=; no amino-acid change (valine 2338 retained).
Molecular consequence: synonymous variant.
Genome position (GRCh38, 1-based): chr22:46,381,920, G>A on the plus strand (C>T on the coding strand, the complement: CELSR1 is on the minus strand). VCF-style: chr22-46381920-G-A. GRCh37 (hg19) VCF-style: chr22-46777817-G-A.
Other names: c.7014C>T, p.Val2338= (NM_014246.4).
Identifiers: ClinVar variation 3059624 (VCV003059624.2), dbSNP rs151055274, ClinGen allele CA10293546.

ClinVar aggregate classification (germline): Likely benign (0 of 4 stars; one submission).

Conditions:
CELSR1-related disorder. Also called: CELSR1-related condition.

Allele frequency attached by ClinVar (database versions not stated): ESP Exome Variant Server 0.00046; gnomAD 0.00465; TOPMed 0.00679; 1000 Genomes Project 0.00958; 1000 Genomes Project 30x 0.01031; ExAC 0.01109.
gnomAD v4.1: 3,214 of 1,573,268 alleles (0.2%); highest among the groups gnomAD compares: Admixed American, 4.8%; 91 homozygotes.

Submission:

PreventionGenetics, part of Exact Sciences
Classification: Likely benign for CELSR1-related condition. Last evaluated: 2019-02-27. Review status: no assertion criteria provided. Collection method: clinical testing. Allele origin: germline.
Comment: This variant is classified as likely benign based on ACMG/AMP sequence variant interpretation guidelines (Richards et al. 2015 PMID: 25741868, with internal and published modifications).